The following is an entry in ClinVar:

ClinVar aggregate classification (germline): Uncertain significance. Review status: criteria provided, multiple submitters, no conflicts (2 of 4 stars). 3 submissions from 3 submitters: Uncertain significance (2). 1 of the submissions does not count toward it. Last evaluated 2022-07-12.

Conditions:
TTC21B-related disorder. Also called: TTC21B-related disorders; TTC21B-related condition.
Nephronophthisis 12 (NPHP12). Identifiers: Orphanet 655, MedGen C3151186, MONDO:0013442, OMIM 613820.
Asphyxiating thoracic dystrophy 4 (SRTD4). Also called: SHORT-RIB THORACIC DYSPLASIA 4 WITH OR WITHOUT POLYDACTYLY; SHORT-RIB THORACIC DYSPLASIA 4. Identifiers: Orphanet 474, MedGen C3151185, MONDO:0013441, OMIM 613819.
Nephronophthisis. Also called: Juvenile Nephronophthisis. Identifiers: Orphanet 655, MedGen C0687120, MONDO:0019005, HP:0000090.
Jeune thoracic dystrophy. Also called: Short-rib thoracic dysplasia; Jeune syndrome; Infantile thoracic dystrophy; Thoracic pelvic phalangeal dystrophy; Jeune's syndrome; Chondroectodermal dysplasia-like syndrome. Identifiers: Orphanet 474, MedGen C0265275, MONDO:0018770.

Allele frequency attached by ClinVar (database versions not stated): gnomAD exomes 0.00001; ExAC 0.00002; gnomAD 0.00003 and 0.00004; TOPMed 0.00003; ESP Exome Variant Server 0.00008.
gnomAD v4.1: 19 of 1,613,966 alleles (0.0012%); highest among the groups gnomAD compares: African/African-American, 0.0027%; no homozygotes.

Submissions (3):

Labcorp Genetics (formerly Invitae), Labcorp
Classification: Uncertain significance for Jeune thoracic dystrophy; Nephronophthisis. Last evaluated: 2022-07-12. Review status: criteria provided, single submitter. Criteria: Invitae Variant Classification Sherloc (09022015). Collection method: clinical testing. Allele origin: germline.
Comment: ClinVar contains an entry for this variant (Variation ID: 1400722). This variant has not been reported in the literature in individuals affected with TTC21B-related conditions. This variant is present in population databases (rs370846838, gnomAD 0.007%). This sequence change replaces phenylalanine, which is neutral and non-polar, with cysteine, which is neutral and slightly polar, at codon 687 of the TTC21B protein (p.Phe687Cys). In summary, the available evidence is currently insufficient to determine the role of this variant in disease. Therefore, it has been classified as a Variant of Uncertain Significance. Algorithms developed to predict the effect of missense changes on protein structure and function (SIFT, PolyPhen-2, Align-GVGD) all suggest that this variant is likely to be disruptive.

Fulgent Genetics
Classification: Uncertain significance for Asphyxiating thoracic dystrophy 4; Nephronophthisis 12. Last evaluated: 2022-05-03. Review status: criteria provided, single submitter. Criteria: ACMG Guidelines, 2015. Collection method: clinical testing. Allele origin: unknown.

PreventionGenetics, part of Exact Sciences
Classification: Uncertain significance for TTC21B-related condition. Last evaluated: 2024-09-04. Review status: no assertion criteria provided. Collection method: clinical testing. Allele origin: germline. Not counted in ClinVar's aggregate classification.
Comment: The TTC21B c.2060T>G variant is predicted to result in the amino acid substitution p.Phe687Cys. To our knowledge, this variant has not been reported in the literature. This variant is reported in 0.0062% of alleles in individuals of African descent in gnomAD. At this time, the clinical significance of this variant is uncertain due to the absence of conclusive functional and genetic evidence.

NM_024753.5(TTC21B):c.2060T>G (p.Phe687Cys)

Gene: TTC21B (tetratricopeptide repeat domain 21B; minus strand). Cytogenetic location: 2q24.3.
Variant type: single nucleotide variant.
Coding change: c.2060T>G on transcript NM_024753.5 (MANE Select); coding-DNA position 2060, T replaced by G.
Protein change: p.Phe687Cys; replaces phenylalanine 687 with cysteine.
Molecular consequence: missense variant.
Genome position (GRCh38, 1-based): chr2:165,915,279, A>C on the plus strand (T>G on the coding strand, the complement: TTC21B is on the minus strand). VCF-style: chr2-165915279-A-C. GRCh37 (hg19) VCF-style: chr2-166771789-A-C.
Other names: c.2060T>G (NM_024753.4); short protein forms F687C.
Identifiers: ClinVar variation 1400722 (VCV001400722.6), dbSNP rs370846838, ClinGen allele CA1941946.